The following is an entry in ClinVar:

NM_006359.2(SLC9A6):c.585dupG

Gene: SLC9A6 (solute carrier family 9 member A6; plus strand). Cytogenetic location: Xq26.3.
Variant type: Duplication.
Coding change: c.585dupG on transcript NM_006359.2; coding-DNA position 585, one base duplicated (G).
Genome position (GRCh38, 1-based): chrX:135,998,856, G duplicated; the last of 2 consecutive G bases (chrX:135,998,855-135,998,856); duplicating either gives the same sequence. VCF-style (leftmost placement, unchanged base first): chrX-135998854-A-AG. GRCh37 (hg19) VCF-style: chrX-135081013-A-AG.
Identifiers: ClinVar variation 207249 (VCV000207249.3), dbSNP rs796053291, ClinGen allele CA318539.
Genomic context (GRCh38, chrX:135,998,854, plus strand): 5'-TTATCCTAATTTTTTTAACAGTTGATATTTTTTTCTAAAGTAGGACTGTGTTTATTGAAC[A>AG]GGTCAATAATGTATGGCTGTGTAACGCTGATGAAGGTAACGGGACAACTTGCAGGAGATT-3'

ClinVar aggregate classification (germline): Pathogenic (1 of 4 stars; one submission).

Submission:

GeneDx
Classification: Pathogenic. Last evaluated: 2013-10-23. Review status: criteria provided, single submitter. Criteria: GeneDx Variant Classification (06012015). Collection method: clinical testing. Allele origin: germline. Affected: yes.
Comment: c.585dupG: p.S196VfsX36. The normal sequence with the bases that are duplicated in brackets is: ACAG{G}TCAA. The c.585dupG mutation in the SLC9A6 gene causes a frameshift starting with codon Serine 196, changes this amino acid to a Valine residue and creates a premature Stop codon at position 36 of the new reading frame, denoted p.Ser196ValfsX36. This mutation is predicted to cause loss of normal protein function either through protein truncation or nonsense-mediated mRNA decay. The variant is found in SLC9A6 panel(s).